The following is an entry in ClinVar:

NM_170665.4(ATP2A2):c.867C>T (p.Ile289=)

Gene: ATP2A2 (ATPase sarcoplasmic/endoplasmic reticulum Ca2+ transporting 2; plus strand). Cytogenetic location: 12q24.11.
Variant type: single nucleotide variant.
Coding change: c.867C>T on transcript NM_170665.4 (MANE Select); coding-DNA position 867, C replaced by T.
Protein change: p.Ile289=; no amino-acid change (isoleucine 289 retained).
Molecular consequence: synonymous variant.
Genome position (GRCh38, 1-based): chr12:110,327,789, C>T. VCF-style: chr12-110327789-C-T. GRCh37 (hg19) VCF-style: chr12-110765594-C-T.
Other names: c.762C>T, p.Ile254= (NM_001413013.1); c.867C>T, p.Ile289= (NM_001413014.1, NM_001681.4); c.492C>T, p.Ile164= (NM_001413015.1).
Identifiers: ClinVar variation 3046189 (VCV003046189.2), dbSNP rs201573336, ClinGen allele CA6783779.

ClinVar aggregate classification (germline): Likely benign (0 of 4 stars; one submission).

Conditions:
ATP2A2-related disorder. Also called: ATP2A2-related condition; ATP2A2-Related Disorders.

Allele frequency attached by ClinVar (database versions not stated): gnomAD 0.00003; ExAC 0.00004; TOPMed 0.00006; ESP Exome Variant Server 0.00008.
gnomAD v4.1: 125 of 1,614,012 alleles (0.0077%); highest among the groups gnomAD compares: Non-Finnish European, 0.0097%; no homozygotes.

Submission:

PreventionGenetics, part of Exact Sciences
Classification: Likely benign for ATP2A2-related condition. Last evaluated: 2019-11-19. Review status: no assertion criteria provided. Collection method: clinical testing. Allele origin: germline.
Comment: This variant is classified as likely benign based on ACMG/AMP sequence variant interpretation guidelines (Richards et al. 2015 PMID: 25741868, with internal and published modifications).